The following is an entry in ClinVar:

ClinVar aggregate classification (germline): Uncertain significance (1 of 4 stars; one submission).

Conditions:
Atypical hemolytic-uremic syndrome. Identifiers: Orphanet 2134, MedGen C2931788, MONDO:0016244.

Submission:

Genomenon, Inc
Classification: Uncertain significance for Atypical hemolytic-uremic syndrome. Last evaluated: 2025-10-02. Review status: criteria provided, single submitter. Criteria: Genomenon Sequence Variant Interpretation Standards. Collection method: curation. Allele origin: germline. Affected: no.
Comment: CD46 p.Glu36Ala (c.107A>C) is a missense variant that changes the amino acid at residue 36 from Glutamic acid to Alanine. This variant has been reported in the published literature (PMID:9268348;16014961;26357573). It is absent or not present at a significant frequency in gnomAD. In silico models agree that this variant is not damaging. In conclusion, we classify CD46 p.Glu36Ala (c.107A>C) as a variant of uncertain significance.

Literature cited by the submitters: PubMed 9268348; PubMed 16014961; PubMed 26357573.

NM_172351.3(CD46):c.107A>C (p.Glu36Ala)

Gene: CD46 (CD46 molecule; plus strand). Cytogenetic location: 1q32.2.
Variant type: single nucleotide variant.
Coding change: c.107A>C on transcript NM_172351.3 (MANE Select); coding-DNA position 107, A replaced by C.
Protein change: p.Glu36Ala; replaces glutamic acid 36 with alanine.
Molecular consequence: missense variant.
Genome position (GRCh38, 1-based): chr1:207,757,023, A>C. VCF-style: chr1-207757023-A-C. GRCh37 (hg19) VCF-style: chr1-207930368-A-C.
Other names: c.107A>C, p.Glu36Ala (NM_002389.4, NM_153826.4, NM_172350.3 and 8 more transcripts); short protein forms E36A.
Identifiers: ClinVar variation 4291237 (VCV004291237.1).